The following is an entry in ClinVar:

NM_138576.4(BCL11B):c.1852C>G (p.Gln618Glu)

Gene: BCL11B (BCL11 transcription factor B; minus strand). Cytogenetic location: 14q32.2.
Variant type: single nucleotide variant.
Coding change: c.1852C>G on transcript NM_138576.4 (MANE Select); coding-DNA position 1852, C replaced by G.
Protein change: p.Gln618Glu; replaces glutamine 618 with glutamic acid.
Molecular consequence: missense variant.
Genome position (GRCh38, 1-based): chr14:99,174,984, G>C on the plus strand (C>G on the coding strand, the complement: BCL11B is on the minus strand). VCF-style: chr14-99174984-G-C. GRCh37 (hg19) VCF-style: chr14-99641321-G-C.
Other names: c.1849C>G, p.Gln617Glu (NM_001282237.2); c.1636C>G, p.Gln546Glu (NM_001282238.2); c.1639C>G, p.Gln547Glu (NM_022898.3); short protein forms Q546E, Q617E, Q547E, Q618E.
Identifiers: ClinVar variation 2701959 (VCV002701959.3), dbSNP rs2503641685, ClinGen allele CA390934478.

ClinVar aggregate classification (germline): Uncertain significance (1 of 4 stars; one submission).

Submission:

Labcorp Genetics (formerly Invitae), Labcorp
Classification: Uncertain significance. Last evaluated: 2023-12-10. Review status: criteria provided, single submitter. Criteria: Invitae Variant Classification Sherloc (09022015). Collection method: clinical testing. Allele origin: germline.
Comment: This sequence change replaces glutamine, which is neutral and polar, with glutamic acid, which is acidic and polar, at codon 618 of the BCL11B protein (p.Gln618Glu). This variant is not present in population databases (gnomAD no frequency). This variant has not been reported in the literature in individuals affected with BCL11B-related conditions. Advanced modeling of protein sequence and biophysical properties (such as structural, functional, and spatial information, amino acid conservation, physicochemical variation, residue mobility, and thermodynamic stability) performed at Invitae indicates that this missense variant is not expected to disrupt BCL11B protein function with a negative predictive value of 80%. In summary, the available evidence is currently insufficient to determine the role of this variant in disease. Therefore, it has been classified as a Variant of Uncertain Significance.